The following is an entry in ClinVar:

NM_020738.4(KIDINS220):c.3706A>G (p.Thr1236Ala)

Gene: KIDINS220 (kinase D interacting substrate 220; minus strand). Cytogenetic location: 2p25.1.
Variant type: single nucleotide variant.
Coding change: c.3706A>G on transcript NM_020738.4 (MANE Select); coding-DNA position 3706, A replaced by G.
Protein change: p.Thr1236Ala; replaces threonine 1236 with alanine.
Molecular consequence: missense variant. On other transcripts: non-coding transcript variant (2).
Genome position (GRCh38, 1-based): chr2:8,736,879, T>C on the plus strand (A>G on the coding strand, the complement: KIDINS220 is on the minus strand). VCF-style: chr2-8736879-T-C. GRCh37 (hg19) VCF-style: chr2-8877009-T-C.
Other names: c.3709A>G, p.Thr1237Ala (NM_001348729.2); c.3652A>G, p.Thr1218Ala (NM_001348731.2); c.3649A>G, p.Thr1217Ala (NM_001348732.2, NM_001348738.2); c.3538A>G, p.Thr1180Ala (NM_001348734.2, NM_001348739.2, NM_001348740.2); c.3535A>G, p.Thr1179Ala (NM_001348735.2, NM_001348741.2, NM_001348742.2 and 1 more transcripts); c.3409A>G, p.Thr1137Ala (NM_001348736.2); c.3706A>G (NM_020738.2); short protein forms T1180A, T1137A, T1179A, T1217A, T1218A, T1237A, T1236A.
Identifiers: ClinVar variation 2991187 (VCV002991187.4), dbSNP rs754502901, ClinGen allele CA1519557.
Genomic context (GRCh38, chr2:8,736,879, plus strand): 5'-CTTCCGCCCCCAGCGCTGTCTCTGGTCCGTGTGTAAGTGGCTGCCTCACCTTTTTGATCG[T>C]GGTACAATACTGAGGCAGCATACTCTGGTCCAGCCCTTCTATTTGTTTCAGCTTCTCACA-3'
Protein context (NP_065789.1, residues 1226-1246): DQSMLPQYCT[Thr1236Ala]IKKANINGRV

ClinVar aggregate classification (germline): Uncertain significance. Review status: criteria provided, multiple submitters, no conflicts (2 of 4 stars). 2 submissions from 2 submitters: Uncertain significance (2). Last evaluated 2025-04-09.

Conditions:
Inborn genetic diseases. Identifiers: MedGen C0950123, MeSH D030342.

Allele frequency attached by ClinVar (database versions not stated): gnomAD 0.00001; TOPMed 0.00001; ExAC 0.00002.
gnomAD v4.1: 50 of 1,613,930 alleles (0.0031%); highest among the groups gnomAD compares: Non-Finnish European, 0.0041%; no homozygotes.

Submissions (2):

Ambry Genetics
Classification: Uncertain significance for Inborn genetic diseases. Last evaluated: 2025-04-09. Review status: criteria provided, single submitter. Criteria: Ambry Variant Classification Scheme 2023. Collection method: clinical testing. Allele origin: germline.

Labcorp Genetics (formerly Invitae), Labcorp
Classification: Uncertain significance. Last evaluated: 2022-12-30. Review status: criteria provided, single submitter. Criteria: Invitae Variant Classification Sherloc (09022015). Collection method: clinical testing. Allele origin: germline.
Comment: This sequence change replaces threonine, which is neutral and polar, with alanine, which is neutral and non-polar, at codon 1236 of the KIDINS220 protein (p.Thr1236Ala). This variant is present in population databases (rs754502901, gnomAD 0.005%). This variant has not been reported in the literature in individuals affected with KIDINS220-related conditions. Algorithms developed to predict the effect of missense changes on protein structure and function (SIFT, PolyPhen-2, Align-GVGD) all suggest that this variant is likely to be tolerated. In summary, the available evidence is currently insufficient to determine the role of this variant in disease. Therefore, it has been classified as a Variant of Uncertain Significance.